The following is an entry in ClinVar:

ClinVar aggregate classification (germline): Uncertain significance (1 of 4 stars; one submission).

Allele frequency attached by ClinVar (database versions not stated): gnomAD exomes below 0.00001 and 0.00001; TOPMed below 0.00001.
gnomAD v4.1: 3 of 1,613,656 alleles (0.00019%); highest among the groups gnomAD compares: Non-Finnish European, 0.00025%; no homozygotes.

Submission:

Labcorp Genetics (formerly Invitae), Labcorp
Classification: Uncertain significance. Last evaluated: 2025-05-25. Review status: criteria provided, single submitter. Criteria: Invitae Variant Classification Sherloc (09022015). Collection method: clinical testing. Allele origin: germline.
Comment: This sequence change replaces glutamic acid, which is acidic and polar, with aspartic acid, which is acidic and polar, at codon 42 of the FZD4 protein (p.Glu42Asp). This variant is present in population databases (no rsID available, gnomAD 0.0009%). This variant has not been reported in the literature in individuals affected with FZD4-related conditions. ClinVar contains an entry for this variant (Variation ID: 1516797). Invitae Evidence Modeling of protein sequence and biophysical properties (such as structural, functional, and spatial information, amino acid conservation, physicochemical variation, residue mobility, and thermodynamic stability) indicates that this missense variant is not expected to disrupt FZD4 protein function with a negative predictive value of 80%. In summary, the available evidence is currently insufficient to determine the role of this variant in disease. Therefore, it has been classified as a Variant of Uncertain Significance.

NM_012193.4(FZD4):c.126G>C (p.Glu42Asp)

Gene: FZD4 (frizzled class receptor 4; minus strand). Cytogenetic location: 11q14.2.
Variant type: single nucleotide variant.
Coding change: c.126G>C on transcript NM_012193.4 (MANE Select); coding-DNA position 126, G replaced by C.
Protein change: p.Glu42Asp; replaces glutamic acid 42 with aspartic acid.
Molecular consequence: missense variant.
Genome position (GRCh38, 1-based): chr11:86,954,960, C>G on the plus strand (G>C on the coding strand, the complement: FZD4 is on the minus strand). VCF-style: chr11-86954960-C-G. GRCh37 (hg19) VCF-style: chr11-86666002-C-G.
Other names: short protein forms E42D.
Identifiers: ClinVar variation 1516797 (VCV001516797.6), dbSNP rs1022636595, ClinGen allele CA225383252.
Genomic context (GRCh38, chr11:86,954,960, plus strand): 5'-CTTGGTCACGTTGTAGCCGAGGTTCTGGCACATGGAGATGCGGATGGGGTCGCAGCGCCG[C>G]TCTTCCTCGTCCCCGAAGCCCCGCGCCGGCCCCAGGAGCAGCAGCAACTGCAGGAGCAAC-3'
Protein context (NP_036325.2, residues 32-52): GPARGFGDEE[Glu42Asp]RRCDPIRISM